The following is an entry in ClinVar:

NM_000260.4(MYO7A):c.2467C>G (p.Arg823Gly)

Gene: MYO7A (myosin VIIA; plus strand). Cytogenetic location: 11q13.5.
Variant type: single nucleotide variant.
Coding change: c.2467C>G on transcript NM_000260.4 (MANE Select); coding-DNA position 2467, C replaced by G.
Protein change: p.Arg823Gly; replaces arginine 823 with glycine.
Molecular consequence: missense variant.
Genome position (GRCh38, 1-based): chr11:77,179,834, C>G. VCF-style: chr11-77179834-C-G. GRCh37 (hg19) VCF-style: chr11-76890880-C-G.
Other names: c.2467C>G, p.Arg823Gly (NM_001127180.2); c.2434C>G, p.Arg812Gly (NM_001369365.1); short protein forms R823G, R812G.
Identifiers: ClinVar variation 4770382 (VCV004770382.1).

ClinVar aggregate classification (germline): Uncertain significance (1 of 4 stars; one submission).

gnomAD v4.1: 2 of 1,543,688 alleles (0.00013%); highest among the groups gnomAD compares: Non-Finnish European, 0.00017%; no homozygotes.

Submission:

Labcorp Genetics (formerly Invitae), Labcorp
Classification: Uncertain significance. Last evaluated: 2025-10-17. Review status: criteria provided, single submitter. Criteria: Invitae Variant Classification Sherloc (09022015). Collection method: clinical testing. Allele origin: germline.
Comment: This sequence change replaces arginine, which is basic and polar, with glycine, which is neutral and non-polar, at codon 823 of the MYO7A protein (p.Arg823Gly). This variant is not present in population databases (gnomAD no frequency). This variant has not been reported in the literature in individuals affected with MYO7A-related conditions. Invitae Evidence Modeling of protein sequence and biophysical properties (such as structural, functional, and spatial information, amino acid conservation, physicochemical variation, residue mobility, and thermodynamic stability) indicates that this missense variant is not expected to disrupt MYO7A protein function with a negative predictive value of 95%. In summary, the available evidence is currently insufficient to determine the role of this variant in disease. Therefore, it has been classified as a Variant of Uncertain Significance.